The following is an entry in ClinVar:

NM_000466.3(PEX1):c.1623T>G (p.Ser541Arg)

Gene: PEX1 (peroxisomal biogenesis factor 1; minus strand). Cytogenetic location: 7q21.2.
Variant type: single nucleotide variant.
Coding change: c.1623T>G on transcript NM_000466.3 (MANE Select); coding-DNA position 1623, T replaced by G.
Protein change: p.Ser541Arg; replaces serine 541 with arginine.
Molecular consequence: missense variant.
Genome position (GRCh38, 1-based): chr7:92,509,376, A>C on the plus strand (T>G on the coding strand, the complement: PEX1 is on the minus strand). VCF-style: chr7-92509376-A-C. GRCh37 (hg19) VCF-style: chr7-92138690-A-C.
Other names: c.1623T>G, p.Ser541Arg (NM_001282677.2); c.999T>G, p.Ser333Arg (NM_001282678.2); short protein forms S333R, S541R.
Identifiers: ClinVar variation 2178052 (VCV002178052.3), dbSNP rs2484682038, ClinGen allele CA368188325.

ClinVar aggregate classification (germline): Uncertain significance (1 of 4 stars; one submission).

Conditions:
Zellweger spectrum disorders (ZS). Also called: Zellweger Spectrum Disorder; Zellweger Spectrum; Zellweger Spectrum Disorder (ZSD); Zellweger syndrome. Identifiers: Orphanet 912, MedGen C0043459, MONDO:0019609.

Allele frequency attached by ClinVar (database versions not stated): gnomAD exomes below 0.00001.
gnomAD v4.1: 1 of 1,613,036 alleles (0.000062%); highest among the groups gnomAD compares: African/African-American, 0.0013%; no homozygotes.

Submission:

Labcorp Genetics (formerly Invitae), Labcorp
Classification: Uncertain significance for Zellweger spectrum disorders. Last evaluated: 2024-11-10. Review status: criteria provided, single submitter. Criteria: Invitae Variant Classification Sherloc (09022015). Collection method: clinical testing. Allele origin: germline.
Comment: This sequence change replaces serine, which is neutral and polar, with arginine, which is basic and polar, at codon 541 of the PEX1 protein (p.Ser541Arg). This variant is not present in population databases (gnomAD no frequency). This variant has not been reported in the literature in individuals affected with PEX1-related conditions. ClinVar contains an entry for this variant (Variation ID: 2178052). Invitae Evidence Modeling of protein sequence and biophysical properties (such as structural, functional, and spatial information, amino acid conservation, physicochemical variation, residue mobility, and thermodynamic stability) indicates that this missense variant is not expected to disrupt PEX1 protein function with a negative predictive value of 95%. Algorithms developed to predict the effect of sequence changes on RNA splicing suggest that this variant may disrupt the consensus splice site. In summary, the available evidence is currently insufficient to determine the role of this variant in disease. Therefore, it has been classified as a Variant of Uncertain Significance.